The following is an entry in ClinVar:

NM_020297.4(ABCC9):c.2611C>G (p.His871Asp)

Gene: ABCC9 (ATP binding cassette subfamily C member 9; minus strand). Cytogenetic location: 12p12.1.
Variant type: single nucleotide variant.
Coding change: c.2611C>G on transcript NM_020297.4 (MANE Select); coding-DNA position 2611, C replaced by G.
Protein change: p.His871Asp; replaces histidine 871 with aspartic acid.
Molecular consequence: missense variant.
Genome position (GRCh38, 1-based): chr12:21,852,400, G>C on the plus strand (C>G on the coding strand, the complement: ABCC9 is on the minus strand). VCF-style: chr12-21852400-G-C. GRCh37 (hg19) VCF-style: chr12-22005334-G-C.
Other names: c.2611C>G, p.His871Asp (NM_001377273.1, NM_005691.4); c.1744C>G, p.His582Asp (NM_001377274.1); short protein forms H582D, H871D.
Identifiers: ClinVar variation 1308775 (VCV001308775.2), dbSNP rs2137443279, ClinGen allele CA384125354.

ClinVar aggregate classification (germline): Uncertain significance (1 of 4 stars; one submission).

Submission:

GeneDx
Classification: Uncertain significance. Last evaluated: 2020-01-18. Review status: criteria provided, single submitter. Criteria: GeneDx Variant Classification Process June 2021. Collection method: clinical testing. Allele origin: germline. Affected: yes.
Comment: Not observed in large population cohorts (Lek et al., 2016); In silico analysis, which includes protein predictors and evolutionary conservation, supports a deleterious effect; Has not been previously published as pathogenic or benign to our knowledge